The following is an entry in ClinVar:

NM_001013838.3(CARMIL2):c.3377G>A (p.Arg1126Gln)

Gene: CARMIL2 (capping protein regulator and myosin 1 linker 2; plus strand). Cytogenetic location: 16q22.1.
Variant type: single nucleotide variant.
Coding change: c.3377G>A on transcript NM_001013838.3 (MANE Select); coding-DNA position 3377, G replaced by A.
Protein change: p.Arg1126Gln; replaces arginine 1126 with glutamine.
Molecular consequence: missense variant.
Genome position (GRCh38, 1-based): chr16:67,654,487, G>A. VCF-style: chr16-67654487-G-A. GRCh37 (hg19) VCF-style: chr16-67688390-G-A.
Other names: c.3269G>A, p.Arg1090Gln (NM_001317026.3); short protein forms R1090Q, R1126Q.
Identifiers: ClinVar variation 1975326 (VCV001975326.3), dbSNP rs756446842, ClinGen allele CA8113999.
Genomic context (GRCh38, chr16:67,654,487, plus strand): 5'-AGCCTCGTTCAACGCGGGGTCCACGGACTGATCTAGAGACCAGCCCTGGGGCAGCTCCCC[G>A]AACCCGAAAAACTACATTTGGCGACCTACTGCGGCCGCCAACCCGTCCCAGCCGTGGTGA-3'
Protein context (NP_001013860.1, residues 1116-1136): DLETSPGAAP[Arg1126Gln]TRKTTFGDLL

ClinVar aggregate classification (germline): Uncertain significance (1 of 4 stars; one submission).

Allele frequency attached by ClinVar (database versions not stated): gnomAD 0.00002; TOPMed 0.00002.
gnomAD v4.1: 40 of 1,612,624 alleles (0.0025%); highest among the groups gnomAD compares: Non-Finnish European, 0.0032%; no homozygotes.

Submission:

Labcorp Genetics (formerly Invitae), Labcorp
Classification: Uncertain significance. Last evaluated: 2024-02-24. Review status: criteria provided, single submitter. Criteria: Invitae Variant Classification Sherloc (09022015). Collection method: clinical testing. Allele origin: germline.
Comment: This sequence change replaces arginine, which is basic and polar, with glutamine, which is neutral and polar, at codon 1126 of the CARMIL2 protein (p.Arg1126Gln). The frequency data for this variant in the population databases is considered unreliable, as metrics indicate poor data quality at this position in the gnomAD database. This variant has not been reported in the literature in individuals affected with CARMIL2-related conditions. ClinVar contains an entry for this variant (Variation ID: 1975326). An algorithm developed to predict the effect of missense changes on protein structure and function (PolyPhen-2) suggests that this variant is likely to be disruptive. In summary, the available evidence is currently insufficient to determine the role of this variant in disease. Therefore, it has been classified as a Variant of Uncertain Significance.